The following is an entry in ClinVar:

ClinVar aggregate classification (germline): Conflicting classifications of pathogenicity. Review status: criteria provided, conflicting classifications (1 of 4 stars). 2 submissions from 2 submitters: Likely pathogenic (1); Uncertain significance (1). Last evaluated 2025-03-31.

Conditions:
RYR1-related myopathy. Identifiers: Orphanet 98742, MedGen CN305348, MONDO:0100150.

Allele frequency attached by ClinVar (database versions not stated): gnomAD exomes below 0.00001.
gnomAD v4.1: 1 of 1,613,404 alleles (0.000062%); highest among the groups gnomAD compares: Non-Finnish European, 0.000085%; no homozygotes.

Submissions (2):

Women's Health and Genetics/Laboratory Corporation of America, LabCorp
Classification: Uncertain significance. Last evaluated: 2025-03-31. Review status: criteria provided, single submitter. Criteria: LabCorp Variant Classification Summary - May 2015. Collection method: clinical testing. Allele origin: germline.
Comment: Variant summary: RYR1 c.2648T>C (p.Leu883Pro) results in a non-conservative amino acid change in the encoded protein sequence. Five of five in-silico tools predict a damaging effect of the variant on protein function. The variant was absent in 250122 control chromosomes. The available data on variant occurrences in the general population are insufficient to allow any conclusion about variant significance. c.2648T>C has been reported in the literature in at least one individual affected with myopathy (e.g., Garibaldi_2019, deFeraudy_2024). These data do not allow any conclusion about variant significance. To our knowledge, no experimental evidence demonstrating an impact on protein function has been reported. The following publications have been ascertained in the context of this evaluation (PMID: 30611313, 38982518). ClinVar contains an entry for this variant (Variation ID: 3233279). Based on the evidence outlined above, the variant was classified as uncertain significance.

Muscle and Diseases Team, Institut de Génétique et Biologie Moléculaire et Cellulaire
Classification: Likely pathogenic for RYR1-related myopathy. Last evaluated: 2024-03-01. Review status: criteria provided, single submitter. Criteria: ACMG Guidelines, 2015. Collection method: research. Allele origin: unknown. Affected: yes. Observed: 1 variant allele.
Comment: PM2+PM3+PP2+PP3

Literature cited by the submitters: PubMed 30611313 (cited by Women's Health and Genetics/Laboratory Corporation of America, LabCorp); PubMed 38982518 (cited by Women's Health and Genetics/Laboratory Corporation of America, LabCorp); DOI 10.1186/s13073-024-01353-0 (cited by Muscle and Diseases Team, Institut de Génétique et Biologie Moléculaire et Cellulaire).

NM_000540.3(RYR1):c.2648T>C (p.Leu883Pro)

Gene: RYR1 (ryanodine receptor 1; plus strand). Cytogenetic location: 19q13.2.
Variant type: single nucleotide variant.
Coding change: c.2648T>C on transcript NM_000540.3 (MANE Select); coding-DNA position 2648, T replaced by C.
Protein change: p.Leu883Pro; replaces leucine 883 with proline.
Molecular consequence: missense variant.
Genome position (GRCh38, 1-based): chr19:38,463,493, T>C. VCF-style: chr19-38463493-T-C. GRCh37 (hg19) VCF-style: chr19-38954133-T-C.
Other names: c.2648T>C, p.Leu883Pro (NM_001042723.2); short protein forms L883P.
Identifiers: ClinVar variation 3233279 (VCV003233279.3), dbSNP rs369665716.